The following is an entry in ClinVar:

NM_001292063.2(OTOG):c.2119dup (p.Glu707fs)

Gene: OTOG (otogelin; plus strand). Cytogenetic location: 11p15.1.
Variant type: Duplication.
Coding change: c.2119dup on transcript NM_001292063.2 (MANE Select); coding-DNA position 2119, one base duplicated (G; older notation c.2119dupG).
Protein change: p.Glu707fs; shifts the reading frame from glutamic acid 707.
Molecular consequence: frameshift variant.
Genome position (GRCh38, 1-based): chr11:17,573,116, G duplicated; the last of 5 consecutive G bases (chr11:17,573,112-17,573,116); duplicating any one gives the same sequence. VCF-style (leftmost placement, unchanged base first): chr11-17573111-C-CG. GRCh37 (hg19) VCF-style: chr11-17594658-C-CG.
Other names: c.2155dup, p.Glu719fs (NM_001277269.2); short protein forms E707fs, E719fs.
Identifiers: ClinVar variation 1323391 (VCV001323391.6), dbSNP rs778222536, ClinGen allele CA5905584.

ClinVar aggregate classification (germline): Pathogenic/Likely pathogenic. Review status: criteria provided, multiple submitters, no conflicts (2 of 4 stars). 3 submissions from 3 submitters: Pathogenic (2); Likely pathogenic (1). Last evaluated 2024-03-25.

Conditions:
Rare genetic deafness. Identifiers: Orphanet 96210, MedGen C5680250.
Autosomal recessive nonsyndromic hearing loss 18B. Also called: Deafness, autosomal recessive 18b. Identifiers: Orphanet 90636, MedGen C3554163, MONDO:0013985, OMIM 614945.

Submissions (3):

Genomic Medicine Center of Excellence, King Faisal Specialist Hospital and Research Centre
Classification: Pathogenic for Autosomal recessive nonsyndromic hearing loss 18B. Last evaluated: 2024-03-25. Review status: criteria provided, single submitter. Criteria: ACMG Guidelines, 2015. Collection method: clinical testing. Allele origin: germline.

Laboratory for Molecular Medicine, Mass General Brigham Personalized Medicine
Classification: Likely pathogenic for Rare genetic deafness. Last evaluated: 2022-06-30. Review status: criteria provided, single submitter. Criteria: ACMG Guidelines, 2015. Collection method: clinical testing. Allele origin: germline.
Comment: The p.Glu719GlyfsX17 variant in OTOG has not been previously reported in individuals with nonsyndromic hearing loss and was absent from large population studies. This variant is predicted to cause a frameshift, which alters the protein’s amino acid sequence beginning at position 719 and leads to a premature termination codon 17 amino acids downstream. Loss of function of the OTOG gene is an established disease mechanism in autosomal recessive nonsyndromic hearing loss. In summary, although additional studies are required to fully establish its clinical significance, this variant meets criteria to be classified as likely pathogenic for autosomal recessive nonsyndromic hearing loss. ACMG/AMP Criteria applied: PVS1, PM2_Supporting.

Revvity Omics, Revvity
Classification: Pathogenic for Autosomal recessive nonsyndromic hearing loss 18B. Last evaluated: 2020-02-23. Review status: criteria provided, single submitter. Criteria: ACMG Guidelines, 2015. Collection method: clinical testing. Allele origin: germline.